The following is an entry in ClinVar:

NM_001349884.2(DRAM2):c.259G>A (p.Val87Ile)

Gene: DRAM2 (DNA damage regulated autophagy modulator 2; minus strand). Cytogenetic location: 1p13.3.
Variant type: single nucleotide variant.
Coding change: c.259G>A on transcript NM_001349884.2 (MANE Select); coding-DNA position 259, G replaced by A.
Protein change: p.Val87Ile; replaces valine 87 with isoleucine.
Molecular consequence: missense variant. On other transcripts: 5 prime UTR variant (1), non-coding transcript variant (3), intron variant (7).
Genome position (GRCh38, 1-based): chr1:111,124,822, C>T on the plus strand (G>A on the coding strand, the complement: DRAM2 is on the minus strand). VCF-style: chr1-111124822-C-T. GRCh37 (hg19) VCF-style: chr1-111667444-C-T.
Other names: c.259G>A, p.Val87Ile (NM_001349881.2, NM_001349882.2, NM_001349885.2 and 1 more transcripts); c.-160G>A (NM_001349891.2); c.-52+1405G>A (NM_001349889.2, NM_001349890.2, NM_001349892.2 and 1 more transcripts); c.41+1405G>A (NM_001349887.2, NM_001349886.2, NM_001349888.2); short protein forms V87I.
Identifiers: ClinVar variation 1502704 (VCV001502704.8), dbSNP rs749399830, ClinGen allele CA1001885.

ClinVar aggregate classification (germline): Uncertain significance (1 of 4 stars; one submission).

Allele frequency attached by ClinVar (database versions not stated): gnomAD exomes below 0.00001 and 0.00002; TOPMed below 0.00001; ExAC 0.00001.
gnomAD v4.1: 4 of 1,613,406 alleles (0.00025%); highest among the groups gnomAD compares: South Asian, 0.0022%; 1 homozygote.

Submission:

Labcorp Genetics (formerly Invitae), Labcorp
Classification: Uncertain significance. Last evaluated: 2024-08-12. Review status: criteria provided, single submitter. Criteria: Invitae Variant Classification Sherloc (09022015). Collection method: clinical testing. Allele origin: germline.
Comment: This sequence change replaces valine, which is neutral and non-polar, with isoleucine, which is neutral and non-polar, at codon 87 of the DRAM2 protein (p.Val87Ile). This variant is present in population databases (rs749399830, gnomAD 0.01%), including at least one homozygous and/or hemizygous individual. This variant has not been reported in the literature in individuals affected with DRAM2-related conditions. ClinVar contains an entry for this variant (Variation ID: 1502704). An algorithm developed to predict the effect of missense changes on protein structure and function (PolyPhen-2) suggests that this variant is likely to be tolerated. In summary, the available evidence is currently insufficient to determine the role of this variant in disease. Therefore, it has been classified as a Variant of Uncertain Significance.